The following is an entry in ClinVar:

ClinVar aggregate classification (germline): not provided. Review status: no classification provided (0 of 4 stars). 2 submissions from 1 submitter: not provided (2).

Conditions:
Normal pregnancy. Identifiers: MedGen C0232989.
Large for gestational age. Identifiers: MedGen C1848395, HP:0001520.

Submissions (2):

Institute of Molecular and Cell Biology, University of Tartu
No classification provided. Condition: Normal pregnancy. Review status: no classification provided. Collection method: case-control. Allele origin: unknown. Affected: yes. Study: Kasak2014.
Comment: The study aimed to determine the contribution of copy number variants in the genetic etiology of normal and complicated pregnancies. The samples represented (i) maternal blood DNA drawn from healthy pregnant women during 1st or 2nd trimester and (ii) maternal and paternal blood DNA drawn at term pregnancy cases representing normal and complicated gestations (severe preeclampsia, PE; gestational diabetes, GD; small-for-gestational age newborn, SGA; large-for-gestational age newborn, LGA). We performed CNV calling based on genome-wide genotyping dataset (Illumina HumanOmniExpress-24-v1 BeadChip) by applying three algorithms, QuantiSNP, GADA (Genome Alteration Detection Algorithm) and CNstream in parallel. The acquired CNV calls were merged with HD-CNV (Hotspot Detector for Copy Number Variants) program and only the CNVs predicted by at least two programs, were considered in subsequent analysis.

Institute of Molecular and Cell Biology, University of Tartu
No classification provided. Condition: Large for gestational age. Review status: no classification provided. Collection method: case-control. Allele origin: unknown. Affected: yes. Study: Kasak2014.
Comment: the same text as in the submission from Institute of Molecular and Cell Biology, University of Tartu above.

Literature cited by the submitters: PubMed 25666259.

NC_000015.10:g.23810341_23816350del

Variant type: Deletion.
Genome position: GRCh38: chr15:23,810,341-23,816,350. GRCh37 (hg19): chr15:24,055,488-24,061,497.
Identifiers: ClinVar variation 157330 (VCV000157330.3), ClinGen allele CA212394.